The following is an entry in ClinVar:

ClinVar aggregate classification (germline): Pathogenic. Review status: criteria provided, multiple submitters, no conflicts (2 of 4 stars). 11 submissions from 11 submitters: Pathogenic (10). 1 of the submissions does not count toward it. Last evaluated 2025-06-04.

Conditions:
Hereditary spastic paraplegia 4. Also called: Spastic paraplegia 4, autosomal dominant; Spastic Paraplegia 4; Familial spastic paraplegia autosomal dominant 2. Identifiers: Orphanet 100985, MedGen C1866855, MONDO:0008438, OMIM 182601.
SPAST-related disorder. Also called: SPAST-related condition.
Hereditary spastic paraplegia. Also called: Familial spastic paraparesis. Identifiers: Orphanet 685, MedGen C0037773, MONDO:0019064. Disease mechanism: loss of function.

Allele frequency attached by ClinVar (database versions not stated): gnomAD exomes below 0.00001; TOPMed below 0.00001.
gnomAD v4.1: 2 of 1,608,016 alleles (0.00012%); highest among the groups gnomAD compares: Non-Finnish European, 0.00017%; no homozygotes.

Submissions (11):

GeneDx
Classification: Pathogenic. Last evaluated: 2025-06-04. Review status: criteria provided, single submitter. Criteria: GeneDx Variant Classification Process June 2021. Collection method: clinical testing. Allele origin: germline. Affected: yes.
Comment: Published functional studies demonstrate that the R562X variant results in reduced levels of SPAST protein, decreased neurite length and complexity, and severely disrupted microtubule structures (PMID: 24381312); Nonsense variant predicted to result in protein truncation, as the last 55 amino acids are lost, and other loss-of-function variants have been reported downstream in HGMD; Not observed at significant frequency in large population cohorts (gnomAD); This variant is associated with the following publications: (PMID: 25525159, 17597328, 12124993, 28389476, 30489674, 24731568, 27084228, 24381312, 18701882, 22960362, 10699187, 31157359, 32457567, 32501971, 25421405, 20932283, 29934652, 22552817, 20718791, 26671083, 31594988, 26208798, 37251230, 34983064, 35472722, 21139634, 26094131, 38693247, 38968664)

Labcorp Genetics (formerly Invitae), Labcorp
Classification: Pathogenic for Hereditary spastic paraplegia 4. Last evaluated: 2024-09-19. Review status: criteria provided, single submitter. Criteria: Invitae Variant Classification Sherloc (09022015). Collection method: clinical testing. Allele origin: germline.
Comment: This sequence change creates a premature translational stop signal (p.Arg562*) in the SPAST gene. While this is not anticipated to result in nonsense mediated decay, it is expected to disrupt the last 55 amino acid(s) of the SPAST protein. This variant is not present in population databases (gnomAD no frequency). This premature translational stop signal has been observed in individuals with hereditary spastic paraplegia (PMID: 10699187, 17597328, 18701882, 20718791, 24381312, 27084228). It has also been observed to segregate with disease in related individuals. ClinVar contains an entry for this variant (Variation ID: 448449). Algorithms developed to predict the effect of variants on gene product structure and function are not available or were not evaluated for this variant. Experimental studies have shown that this premature translational stop signal affects SPAST function (PMID: 24381312). For these reasons, this variant has been classified as Pathogenic.

Mayo Clinic Laboratories, Mayo Clinic
Classification: Pathogenic. Last evaluated: 2023-10-30. Review status: criteria provided, single submitter. Criteria: ACMG Guidelines, 2015. Collection method: clinical testing. Allele origin: germline. Observed: 1 variant allele.
Comment: PP1, PM2_moderate, PM6, PS3, PS4, PVS1

Blueprint Genetics
Classification: Pathogenic for SPAST-related disorders. Last evaluated: 2023-04-06. Review status: criteria provided, single submitter. Criteria: ACMG Guidelines, 2015. Collection method: clinical testing. Allele origin: germline. Affected: yes. Observed: 3 variant alleles.

CeGaT Center for Human Genetics Tuebingen
Classification: Pathogenic. Last evaluated: 2021-06-01. Review status: criteria provided, single submitter. Criteria: CeGaT Center For Human Genetics Tuebingen Variant Classification Criteria Version 2. Collection method: clinical testing. Allele origin: germline. Affected: yes. Observed: 3 variant alleles.

Genome Diagnostics Laboratory, The Hospital for Sick Children
Classification: Pathogenic for Hereditary spastic paraplegia. Last evaluated: 2021-05-21. Review status: criteria provided, single submitter. Criteria: ACMG Guidelines, 2015. Collection method: clinical testing. Allele origin: germline. Affected: yes.

Institute of Medical Genetics and Applied Genomics, University Hospital Tübingen
Classification: Pathogenic. Last evaluated: 2020-10-23. Review status: criteria provided, single submitter. Criteria: ACMG Guidelines, 2015. Collection method: clinical testing. Allele origin: germline. Inheritance: Autosomal dominant inheritance. Affected: yes.

Athena Diagnostics
Classification: Pathogenic. Last evaluated: 2020-08-25. Review status: criteria provided, single submitter. Criteria: Athena Diagnostics criteria. Collection method: clinical testing. Allele origin: unknown.
Comment: This variant is expected to result in the loss of a functional protein. This variant has not been reported in large, multi-ethnic general populations. This variant has been identified in multiple unrelated individuals with clinical features associated with this gene. The variant is located in a region that is considered important for protein function and/or structure

Institute of Human Genetics Munich, TUM University Hospital
Classification: Pathogenic for Hereditary spastic paraplegia 4. Last evaluated: 2019-02-28. Review status: criteria provided, single submitter. Criteria: Classification criteria August 2017. Collection method: clinical testing. Allele origin: de novo. Inheritance: Autosomal dominant inheritance. Affected: yes. Observed: 1 heterozygote.

Paris Brain Institute, Inserm - ICM
Classification: Pathogenic for Hereditary spastic paraplegia 4. Review status: criteria provided, single submitter. Criteria: ACMG Guidelines, 2015. Collection method: clinical testing. Allele origin: unknown. Affected: yes. Observed: 2 variant alleles.

Solve-RD Consortium
Classification: Likely pathogenic for Hereditary spastic paraplegia 4. Last evaluated: 2022-06-01. Review status: no assertion criteria provided. Collection method: provider interpretation. Allele origin: inherited. Affected: yes. Not counted in ClinVar's aggregate classification.
Comment: Variant confirmed as disease-causing by referring clinical team

Variant identified during reanalysis of unsolved cases by the Solve-RD project. The Solve-RD project has received funding from the European Union’s Horizon 2020 research and innovation programme under grant agreement No 779257.

Literature cited by the submitters: PubMed 10699187 (cited by 3 submitters); PubMed 17597328 (cited by 3 submitters); PubMed 18701882 (cited by Labcorp Genetics (formerly Invitae), Labcorp and Athena Diagnostics); PubMed 20718791 (cited by Labcorp Genetics (formerly Invitae), Labcorp and Athena Diagnostics); PubMed 24381312 (cited by 3 submitters); PubMed 27084228 (cited by 3 submitters); PubMed 37251230 (cited by Mayo Clinic Laboratories, Mayo Clinic); PubMed 39825153 (cited by Solve-RD Consortium).

NM_014946.4(SPAST):c.1684C>T (p.Arg562Ter)

Gene: SPAST (spastin; plus strand). Cytogenetic location: 2p22.3.
Variant type: single nucleotide variant.
Coding change: c.1684C>T on transcript NM_014946.4 (MANE Select); coding-DNA position 1684, C replaced by T.
Protein change: p.Arg562Ter; replaces arginine 562 with a stop codon.
Molecular consequence: nonsense. On other transcripts: intron variant (1).
Genome position (GRCh38, 1-based): chr2:32,145,004, C>T. VCF-style: chr2-32145004-C-T. GRCh37 (hg19) VCF-style: chr2-32370073-C-T.
Other names: c.1681C>T, p.Arg561Ter (NM_001363823.2); c.1585C>T, p.Arg529Ter (NM_001363875.2); c.1588C>T, p.Arg530Ter (NM_199436.2); c.1520+1589C>T (NM_001377959.1); short protein forms R562*, R530*, R529*, R561*.
Identifiers: ClinVar variation 448449 (VCV000448449.68), dbSNP rs121908518, ClinGen allele CA346504288.